The following is an entry in ClinVar:

NM_001903.5(CTNNA1):c.865A>G (p.Ile289Val)

Gene: CTNNA1 (catenin alpha 1; plus strand). Cytogenetic location: 5q31.2.
Variant type: single nucleotide variant.
Coding change: c.865A>G on transcript NM_001903.5 (MANE Select); coding-DNA position 865, A replaced by G.
Protein change: p.Ile289Val; replaces isoleucine 289 with valine.
Molecular consequence: missense variant.
Genome position (GRCh38, 1-based): chr5:138,827,521, A>G. VCF-style: chr5-138827521-A-G. GRCh37 (hg19) VCF-style: chr5-138163210-A-G.
Other names: c.865A>G, p.Ile289Val (NM_001290307.3, NM_001323982.2, NM_001323983.1 and 3 more transcripts); c.556A>G, p.Ile186Val (NM_001290309.3); c.496A>G, p.Ile166Val (NM_001290310.3); short protein forms I166V, I186V, I289V.
Identifiers: ClinVar variation 1064253 (VCV001064253.12), dbSNP rs377651419, ClinGen allele CA3431583.

ClinVar aggregate classification (germline): Uncertain significance. Review status: criteria provided, multiple submitters, no conflicts (2 of 4 stars). 2 submissions from 2 submitters: Uncertain significance (2). Last evaluated 2025-08-12.

Conditions:
Hereditary cancer-predisposing syndrome. Also called: Hereditary Cancer Syndrome; Hereditary neoplastic syndrome; Neoplastic Syndromes, Hereditary; Tumor predisposition. Identifiers: Orphanet 140162, MedGen C0027672, MeSH D009386, MONDO:0015356.

Allele frequency attached by ClinVar (database versions not stated): gnomAD exomes below 0.00001; ExAC 0.00001; ESP Exome Variant Server 0.00008.

Submissions (2):

Ambry Genetics
Classification: Uncertain significance for Hereditary cancer-predisposing syndrome. Last evaluated: 2025-08-12. Review status: criteria provided, single submitter. Criteria: Ambry Variant Classification Scheme 2023. Collection method: clinical testing. Allele origin: germline.
Comment: The p.I289V variant (also known as c.865A>G), located in coding exon 6 of the CTNNA1 gene, results from an A to G substitution at nucleotide position 865. The isoleucine at codon 289 is replaced by valine, an amino acid with highly similar properties. This amino acid position is highly conserved in available vertebrate species. In addition, this alteration is predicted to be tolerated by in silico analysis. Based on the available evidence, the clinical significance of this variant remains unclear.

Labcorp Genetics (formerly Invitae), Labcorp
Classification: Uncertain significance. Last evaluated: 2024-08-21. Review status: criteria provided, single submitter. Criteria: Invitae Variant Classification Sherloc (09022015). Collection method: clinical testing. Allele origin: germline.
Comment: This sequence change replaces isoleucine, which is neutral and non-polar, with valine, which is neutral and non-polar, at codon 289 of the CTNNA1 protein (p.Ile289Val). This variant is present in population databases (rs377651419, gnomAD 0.0009%). This variant has not been reported in the literature in individuals affected with CTNNA1-related conditions. ClinVar contains an entry for this variant (Variation ID: 1064253). Invitae Evidence Modeling of protein sequence and biophysical properties (such as structural, functional, and spatial information, amino acid conservation, physicochemical variation, residue mobility, and thermodynamic stability) indicates that this missense variant is not expected to disrupt CTNNA1 protein function with a negative predictive value of 80%. In summary, the available evidence is currently insufficient to determine the role of this variant in disease. Therefore, it has been classified as a Variant of Uncertain Significance.